The following is an entry in ClinVar:

ClinVar aggregate classification (germline): Uncertain significance (1 of 4 stars; one submission).

Submission:

Labcorp Genetics (formerly Invitae), Labcorp
Classification: Uncertain significance. Last evaluated: 2021-04-22. Review status: criteria provided, single submitter. Criteria: Invitae Variant Classification Sherloc (09022015). Collection method: clinical testing. Allele origin: germline.
Comment: In summary, the available evidence is currently insufficient to determine the role of this variant in disease. Therefore, it has been classified as a Variant of Uncertain Significance. Algorithms developed to predict the effect of missense changes on protein structure and function (SIFT, PolyPhen-2, Align-GVGD) all suggest that this variant is likely to be tolerated, but these predictions have not been confirmed by published functional studies and their clinical significance is uncertain. This variant has not been reported in the literature in individuals with ASAH1-related conditions. This variant is present in population databases (rs781515666, ExAC 0.006%). This sequence change replaces phenylalanine with leucine at codon 214 of the ASAH1 protein (p.Phe214Leu). The phenylalanine residue is moderately conserved and there is a small physicochemical difference between phenylalanine and leucine.

NM_177924.5(ASAH1):c.642C>G (p.Phe214Leu)

Gene: ASAH1 (N-acylsphingosine amidohydrolase 1; minus strand). Cytogenetic location: 8p22.
Variant type: single nucleotide variant.
Coding change: c.642C>G on transcript NM_177924.5 (MANE Select); coding-DNA position 642, C replaced by G.
Protein change: p.Phe214Leu; replaces phenylalanine 214 with leucine.
Molecular consequence: missense variant.
Genome position (GRCh38, 1-based): chr8:18,062,285, G>C on the plus strand (C>G on the coding strand, the complement: ASAH1 is on the minus strand). VCF-style: chr8-18062285-G-C. GRCh37 (hg19) VCF-style: chr8-17919794-G-C.
Other names: c.624C>G, p.Phe208Leu (NM_001127505.3); c.447C>G, p.Phe149Leu (NM_001363743.2); c.690C>G, p.Phe230Leu (NM_004315.6); short protein forms F208L, F214L, F149L, F230L.
Identifiers: ClinVar variation 1347508 (VCV001347508.8), dbSNP rs781515666, ClinGen allele CA4650758.